The following is an entry in ClinVar:

ClinVar aggregate classification (germline): Uncertain significance (0 of 4 stars; one submission).

Conditions:
NEU1-related disorder. Also called: NEU1-related condition.

gnomAD v4.1: 1 of 1,613,062 alleles (0.000062%); highest among the groups gnomAD compares: Admixed American, 0.0017%; no homozygotes.

Submission:

PreventionGenetics, part of Exact Sciences
Classification: Uncertain significance for NEU1-related condition. Last evaluated: 2023-12-27. Review status: no assertion criteria provided. Collection method: clinical testing. Allele origin: germline.
Comment: The NEU1 c.1174C>G variant is predicted to result in the amino acid substitution p.Leu392Val. To our knowledge, this variant has not been reported in the literature. This variant is reported in 0.0029% of alleles in individuals of Latino descent in gnomAD. At this time, the clinical significance of this variant is uncertain due to the absence of conclusive functional and genetic evidence.

NM_000434.4(NEU1):c.1174C>G (p.Leu392Val)

Gene: NEU1 (neuraminidase 1; minus strand). Cytogenetic location: 6p21.33.
Variant type: single nucleotide variant.
Coding change: c.1174C>G on transcript NM_000434.4 (MANE Select); coding-DNA position 1174, C replaced by G.
Protein change: p.Leu392Val; replaces leucine 392 with valine.
Molecular consequence: missense variant.
Genome position (GRCh38, 1-based): chr6:31,859,793, G>C on the plus strand (C>G on the coding strand, the complement: NEU1 is on the minus strand). VCF-style: chr6-31859793-G-C. GRCh37 (hg19) VCF-style: chr6-31827570-G-C.
Other names: short protein forms L392V.
Identifiers: ClinVar variation 3034303 (VCV003034303.2), dbSNP rs1286901072, ClinGen allele CA363485013.